The following is an entry in ClinVar:

NM_001134363.3(RBM20):c.3451+3A>G

Gene: RBM20 (RNA binding motif protein 20; plus strand). Cytogenetic location: 10q25.2.
Variant type: single nucleotide variant.
Coding change: c.3451+3A>G on transcript NM_001134363.3 (MANE Select); 3 bases into the intron after coding-DNA position 3451, A replaced by G.
Molecular consequence: intron variant.
Genome position (GRCh38, 1-based): chr10:110,823,617, A>G. VCF-style: chr10-110823617-A-G. GRCh37 (hg19) VCF-style: chr10-112583375-A-G.
Identifiers: ClinVar variation 958484 (VCV000958484.7), dbSNP rs1844945720, ClinGen allele CA1139661689.
Genomic context (GRCh38, chr10:110,823,617, plus strand): 5'-CTTTCTTTGCCCTCTTGGGAACCAGAGGATGTGTTCAGTGAACTTAGCATTCCTCTAGGT[A>G]AGCAAAACACACAGTCTTTCCTGAAATTCAGGTCTAGGAAATAACAGTTCCATAGCAACC-3'

ClinVar aggregate classification (germline): Uncertain significance (1 of 4 stars; one submission).

Conditions:
Dilated cardiomyopathy 1DD (CMD1DD). Identifiers: Orphanet 154, MedGen C2750995, MONDO:0013168, OMIM 613172.

Submission:

Labcorp Genetics (formerly Invitae), Labcorp
Classification: Uncertain significance for Dilated cardiomyopathy 1DD. Last evaluated: 2024-05-09. Review status: criteria provided, single submitter. Criteria: Invitae Variant Classification Sherloc (09022015). Collection method: clinical testing. Allele origin: germline.
Comment: This sequence change falls in intron 12 of the RBM20 gene. It does not directly change the encoded amino acid sequence of the RBM20 protein. It affects a nucleotide within the consensus splice site. This variant is not present in population databases (gnomAD no frequency). This variant has not been reported in the literature in individuals affected with RBM20-related conditions. ClinVar contains an entry for this variant (Variation ID: 958484). Variants that disrupt the consensus splice site are a relatively common cause of aberrant splicing (PMID: 17576681, 9536098). Algorithms developed to predict the effect of sequence changes on RNA splicing suggest that this variant is not likely to affect RNA splicing. In summary, the available evidence is currently insufficient to determine the role of this variant in disease. Therefore, it has been classified as a Variant of Uncertain Significance.

Literature cited by the submitters: PubMed 17576681; PubMed 9536098.